The following is an entry in ClinVar:

NM_001110556.2(FLNA):c.6590C>T (p.Thr2197Ile)

Gene: FLNA (filamin A; minus strand). Cytogenetic location: Xq28.
Variant type: single nucleotide variant.
Coding change: c.6590C>T on transcript NM_001110556.2 (MANE Select); coding-DNA position 6590, C replaced by T.
Protein change: p.Thr2197Ile; replaces threonine 2197 with isoleucine.
Molecular consequence: missense variant.
Genome position (GRCh38, 1-based): chrX:154,352,360, G>A on the plus strand (C>T on the coding strand, the complement: FLNA is on the minus strand). VCF-style: chrX-154352360-G-A. GRCh37 (hg19) VCF-style: chrX-153580728-G-A.
Other names: c.6566C>T, p.Thr2189Ile (NM_001456.4); short protein forms T2189I, T2197I.
Identifiers: ClinVar variation 1482632 (VCV001482632.6), dbSNP rs2148104056, ClinGen allele CA415190811.

ClinVar aggregate classification (germline): Uncertain significance (1 of 4 stars; one submission).

Conditions:
Oto-palato-digital syndrome, type II (OPD2). Also called: FACIOPALATOOSSEOUS SYNDROME; OPD II SYNDROME; Otopalatodigital Syndrome, Type II; Otopalatodigital Syndrome Type 2 (FLNA-OPD2). Identifiers: Orphanet 669, Orphanet 90652, MedGen C1844696, MONDO:0010571, OMIM 304120.
Heterotopia, periventricular, X-linked dominant (PVNH1). Also called: PERIVENTRICULAR NODULAR HETEROTOPIA 4; HETEROTOPIA, PERIVENTRICULAR, 1; PERIVENTRICULAR NODULAR HETEROTOPIA 1; X-linked periventricular heterotopia. Identifiers: Orphanet 2149, Orphanet 82004, MedGen C1848213, MONDO:0010233, OMIM 300049.
Melnick-Needles syndrome (MNS). Also called: MELNICK-NEEDLES OSTEODYSPLASTY; OSTEODYSPLASTY OF MELNICK AND NEEDLES; Melnick-Needles Syndrome (FLNA-MNS). Identifiers: Orphanet 2484, MedGen C0025237, MONDO:0010650, OMIM 309350.
Frontometaphyseal dysplasia (FMD1). Identifiers: Orphanet 1826, MedGen C0265293, MONDO:0015942.

Submission:

Labcorp Genetics (formerly Invitae), Labcorp
Classification: Uncertain significance for Oto-palato-digital syndrome, type II; Heterotopia, periventricular, X-linked dominant; Frontometaphyseal dysplasia; Melnick-Needles syndrome. Last evaluated: 2021-12-11. Review status: criteria provided, single submitter. Criteria: Invitae Variant Classification Sherloc (09022015). Collection method: clinical testing. Allele origin: germline.
Comment: In summary, the available evidence is currently insufficient to determine the role of this variant in disease. Therefore, it has been classified as a Variant of Uncertain Significance. Algorithms developed to predict the effect of missense changes on protein structure and function (SIFT, PolyPhen-2, Align-GVGD) all suggest that this variant is likely to be disruptive. This variant has not been reported in the literature in individuals affected with FLNA-related conditions. This variant is not present in population databases (gnomAD no frequency). This sequence change replaces threonine, which is neutral and polar, with isoleucine, which is neutral and non-polar, at codon 2189 of the FLNA protein (p.Thr2189Ile).